The following is an entry in ClinVar:

ClinVar aggregate classification (germline): Uncertain significance (1 of 4 stars; one submission).

Conditions:
Orofacial cleft 6, susceptibility to (OFC6). Also called: CLEFT LIP WITH OR WITHOUT CLEFT PALATE, NONSYNDROMIC, 6. Identifiers: MedGen C1837213, MONDO:0012141, OMIM 608864.
Popliteal pterygium syndrome (PPS). Identifiers: Orphanet 294963, MedGen C0265259, MONDO:0017435.
Van der Woude syndrome. Identifiers: Orphanet 888, MedGen C0175697, MONDO:0019508.

Submission:

Labcorp Genetics (formerly Invitae), Labcorp
Classification: Uncertain significance for Orofacial cleft 6, susceptibility to; Van der Woude syndrome; Popliteal pterygium syndrome. Last evaluated: 2018-02-21. Review status: criteria provided, single submitter. Criteria: Invitae Variant Classification Sherloc (09022015). Collection method: clinical testing. Allele origin: germline.
Comment: This sequence change replaces leucine with arginine at codon 14 of the IRF6 protein (p.Leu14Arg). The leucine residue is highly conserved and there is a moderate physicochemical difference between leucine and arginine. This variant is not present in population databases (ExAC no frequency). This variant has not been reported in the literature in individuals with IRF6-related disease. Algorithms developed to predict the effect of missense changes on protein structure and function do not agree on the potential impact of this missense change (SIFT: "Deleterious"; PolyPhen-2: "Probably Damaging"; Align-GVGD: "Class C0"). In summary, the available evidence is currently insufficient to determine the role of this variant in disease. Therefore, it has been classified as a Variant of Uncertain Significance.

NM_006147.4(IRF6):c.41_42delinsGT (p.Leu14Arg)

Gene: IRF6 (interferon regulatory factor 6; minus strand). Cytogenetic location: 1q32.2.
Variant type: Indel.
Coding change: c.41_42delinsGT on transcript NM_006147.4 (MANE Select); coding-DNA positions 41 to 42, TG replaced by GT.
Protein change: p.Leu14Arg; replaces leucine 14 with arginine.
Molecular consequence: missense variant. On other transcripts: intron variant (1).
Genome position (GRCh38, 1-based): chr1:209,801,372-209,801,373, CA replaced by AC on the plus strand (TG replaced by GT on the coding strand, the reverse complement: IRF6 is on the minus strand). VCF-style: chr1-209801372-CA-AC. GRCh37 (hg19) VCF-style: chr1-209974717-CA-AC.
Other names: c.-112+4574_-112+4575delinsGT (NM_001206696.2); short protein forms L14R.
Identifiers: ClinVar variation 579346 (VCV000579346.8), dbSNP rs1558042905, ClinGen allele CA891843000.